The following is an entry in ClinVar:

NM_013254.4(TBK1):c.1751A>G (p.Lys584Arg)

Gene: TBK1 (TANK binding kinase 1; plus strand). Cytogenetic location: 12q14.2.
Variant type: single nucleotide variant.
Coding change: c.1751A>G on transcript NM_013254.4 (MANE Select); coding-DNA position 1751, A replaced by G.
Protein change: p.Lys584Arg; replaces lysine 584 with arginine.
Molecular consequence: missense variant.
Genome position (GRCh38, 1-based): chr12:64,496,397, A>G. VCF-style: chr12-64496397-A-G. GRCh37 (hg19) VCF-style: chr12-64890177-A-G.
Other names: short protein forms K584R.
Identifiers: ClinVar variation 1405266 (VCV001405266.6), dbSNP rs375610142, ClinGen allele CA6669147.

ClinVar aggregate classification (germline): Uncertain significance (1 of 4 stars; one submission).

Conditions:
Frontotemporal dementia and/or amyotrophic lateral sclerosis 4. Also called: FTDALS4. Identifiers: Orphanet 275872, MedGen C4225325, MONDO:0014641, OMIM 616439.

Allele frequency attached by ClinVar (database versions not stated): gnomAD 0.00002; TOPMed 0.00002; ExAC 0.00003; gnomAD exomes 0.00003; ESP Exome Variant Server 0.00016.
gnomAD v4.1: 14 of 1,263,506 alleles (0.0011%); highest among the groups gnomAD compares: African/African-American, 0.0015%; no homozygotes.

Submission:

Labcorp Genetics (formerly Invitae), Labcorp
Classification: Uncertain significance for Frontotemporal dementia and/or amyotrophic lateral sclerosis 4. Last evaluated: 2025-06-20. Review status: criteria provided, single submitter. Criteria: Invitae Variant Classification Sherloc (09022015). Collection method: clinical testing. Allele origin: germline.
Comment: This sequence change replaces lysine, which is basic and polar, with arginine, which is basic and polar, at codon 584 of the TBK1 protein (p.Lys584Arg). This variant is present in population databases (rs375610142, gnomAD 0.009%). This variant has not been reported in the literature in individuals affected with TBK1-related conditions. ClinVar contains an entry for this variant (Variation ID: 1405266). Invitae Evidence Modeling of protein sequence and biophysical properties (such as structural, functional, and spatial information, amino acid conservation, physicochemical variation, residue mobility, and thermodynamic stability) indicates that this missense variant is not expected to disrupt TBK1 protein function with a negative predictive value of 95%. In summary, the available evidence is currently insufficient to determine the role of this variant in disease. Therefore, it has been classified as a Variant of Uncertain Significance.